The following is an entry in ClinVar:

ClinVar aggregate classification (germline): Uncertain significance (1 of 4 stars; one submission).

Conditions:
SRP54-related disorder. Also called: SRP54-related condition.

gnomAD v4.1: 4 of 1,613,878 alleles (0.00025%); highest among the groups gnomAD compares: African/African-American, 0.0027%; no homozygotes.

Submission:

PreventionGenetics, part of Exact Sciences
Classification: Uncertain significance for SRP54-related condition. Last evaluated: 2025-11-03. Review status: criteria provided, single submitter. Criteria: ACMG Guidelines, 2015. Collection method: clinical testing. Allele origin: germline.
Comment: The SRP54 c.944A>G variant is predicted to result in the amino acid substitution p.Asn315Ser. To our knowledge, this variant has not been reported in the literature. This variant is reported in 0.0062% of alleles in individuals of African descent in gnomAD. At this time, the clinical significance of this variant is uncertain due to the absence of conclusive functional and genetic evidence.

NM_003136.4(SRP54):c.944A>G (p.Asn315Ser)

Gene: SRP54 (signal recognition particle 54; plus strand). Cytogenetic location: 14q13.2.
Variant type: single nucleotide variant.
Coding change: c.944A>G on transcript NM_003136.4 (MANE Select); coding-DNA position 944, A replaced by G.
Protein change: p.Asn315Ser; replaces asparagine 315 with serine.
Molecular consequence: missense variant.
Genome position (GRCh38, 1-based): chr14:35,014,801, A>G. VCF-style: chr14-35014801-A-G. GRCh37 (hg19) VCF-style: chr14-35484007-A-G.
Other names: c.797A>G, p.Asn266Ser (NM_001146282.2); c.944A>G, p.Asn315Ser (NM_001411017.1, NM_001440813.1); short protein forms N315S, N266S.
Identifiers: ClinVar variation 4990549 (VCV004990549.1).